The following is an entry in ClinVar:

ClinVar aggregate classification (germline): Likely benign (1 of 4 stars; one submission).

Allele frequency attached by ClinVar (database versions not stated): gnomAD exomes 0.00001; ExAC 0.00004.
gnomAD v4.1: 12 of 1,614,148 alleles (0.00074%); highest among the groups gnomAD compares: East Asian, 0.0045%; no homozygotes.

Submission:

CeGaT Center for Human Genetics Tuebingen
Classification: Likely benign. Last evaluated: 2022-04-01. Review status: criteria provided, single submitter. Criteria: CeGaT Center For Human Genetics Tuebingen Variant Classification Criteria Version 2. Collection method: clinical testing. Allele origin: germline. Affected: yes. Observed: 1 variant allele.
Comment: NOVA2: BP4, BP7

NM_002516.4(NOVA2):c.300C>T (p.Ala100=)

Gene: NOVA2 (NOVA alternative splicing regulator 2; minus strand). Cytogenetic location: 19q13.32.
Variant type: single nucleotide variant.
Coding change: c.300C>T on transcript NM_002516.4 (MANE Select); coding-DNA position 300, C replaced by T.
Protein change: p.Ala100=; no amino-acid change (alanine 100 retained).
Molecular consequence: synonymous variant.
Genome position (GRCh38, 1-based): chr19:45,953,876, G>A on the plus strand (C>T on the coding strand, the complement: NOVA2 is on the minus strand). VCF-style: chr19-45953876-G-A. GRCh37 (hg19) VCF-style: chr19-46457134-G-A.
Identifiers: ClinVar variation 2650138 (VCV002650138.24), dbSNP rs761319971, ClinGen allele CA9525453.